The following is an entry in ClinVar:

NM_007348.4(ATF6):c.160-8A>G

Gene: ATF6 (activating transcription factor 6; plus strand). Cytogenetic location: 1q23.3.
Variant type: single nucleotide variant.
Coding change: c.160-8A>G on transcript NM_007348.4 (MANE Select); 8 bases into the intron before coding-DNA position 160, A replaced by G.
Molecular consequence: intron variant.
Genome position (GRCh38, 1-based): chr1:161,781,904, A>G. VCF-style: chr1-161781904-A-G. GRCh37 (hg19) VCF-style: chr1-161751694-A-G.
Identifiers: ClinVar variation 1496606 (VCV001496606.5), dbSNP rs753596270, ClinGen allele CA1214117.
Genomic context (GRCh38, chr1:161,781,904, plus strand): 5'-CACAGTTTGATTTTAAGATGTGTATGTTTTATTCTTTTAATATTCTTTTGCTGATTTGAA[A>G]CCTACAGGAAAACAATTTTGATAATCTTGATTTTGATTTGGATTTGATGCCTTGGGAGTC-3'

ClinVar aggregate classification (germline): Uncertain significance. Review status: criteria provided, multiple submitters, no conflicts (2 of 4 stars). 2 submissions from 2 submitters: Uncertain significance (2). Last evaluated 2023-09-24.

Allele frequency attached by ClinVar (database versions not stated): ExAC 0.00002; gnomAD 0.00003; gnomAD exomes 0.00003 and 0.00004; TOPMed 0.00004.
gnomAD v4.1: 63 of 1,579,148 alleles (0.004%); highest among the groups gnomAD compares: Admixed American, 0.0053%; no homozygotes.

Submissions (2):

Labcorp Genetics (formerly Invitae), Labcorp
Classification: Uncertain significance. Last evaluated: 2023-09-24. Review status: criteria provided, single submitter. Criteria: Invitae Variant Classification Sherloc (09022015). Collection method: clinical testing. Allele origin: germline.
Comment: This variant is present in population databases (rs753596270, gnomAD 0.006%). This sequence change falls in intron 2 of the ATF6 gene. It does not directly change the encoded amino acid sequence of the ATF6 protein. This variant has not been reported in the literature in individuals affected with ATF6-related conditions. ClinVar contains an entry for this variant (Variation ID: 1496606). Algorithms developed to predict the effect of sequence changes on RNA splicing suggest that this variant may create or strengthen a splice site. In summary, the available evidence is currently insufficient to determine the role of this variant in disease. Therefore, it has been classified as a Variant of Uncertain Significance.

Blueprint Genetics
Classification: Uncertain significance. Last evaluated: 2019-07-11. Review status: criteria provided, single submitter. Criteria: ACMG Guidelines, 2015. Collection method: clinical testing. Allele origin: germline.